The following is an entry in ClinVar:

ClinVar aggregate classification (germline): Uncertain significance (1 of 4 stars; one submission).

Conditions:
Tuberous sclerosis 2 (TSC2). Identifiers: Orphanet 805, MedGen C1860707, MONDO:0013199, OMIM 613254.

Submission:

Labcorp Genetics (formerly Invitae), Labcorp
Classification: Uncertain significance for Tuberous sclerosis 2. Last evaluated: 2025-11-24. Review status: criteria provided, single submitter. Criteria: Invitae Variant Classification Sherloc (09022015). Collection method: clinical testing. Allele origin: germline.
Comment: This sequence change replaces proline, which is neutral and non-polar, with threonine, which is neutral and polar, at codon 1264 of the TSC2 protein (p.Pro1264Thr). This variant is not present in population databases (gnomAD no frequency). This variant has not been reported in the literature in individuals affected with TSC2-related conditions. ClinVar contains an entry for this variant (Variation ID: 2899997). Invitae Evidence Modeling of protein sequence and biophysical properties (such as structural, functional, and spatial information, amino acid conservation, physicochemical variation, residue mobility, and thermodynamic stability) indicates that this missense variant is not expected to disrupt TSC2 protein function with a negative predictive value of 95%. In summary, the available evidence is currently insufficient to determine the role of this variant in disease. Therefore, it has been classified as a Variant of Uncertain Significance.

NM_000548.5(TSC2):c.3790C>A (p.Pro1264Thr)

Gene: TSC2 (TSC complex subunit 2; plus strand). Cytogenetic location: 16p13.3.
Variant type: single nucleotide variant.
Coding change: c.3790C>A on transcript NM_000548.5 (MANE Select); coding-DNA position 3790, C replaced by A.
Protein change: p.Pro1264Thr; replaces proline 1264 with threonine.
Molecular consequence: missense variant. On other transcripts: non-coding transcript variant (5).
Genome position (GRCh38, 1-based): chr16:2,081,774, C>A. VCF-style: chr16-2081774-C-A. GRCh37 (hg19) VCF-style: chr16-2131775-C-A.
Other names: c.3658C>A, p.Pro1220Thr (NM_001077183.3, NM_001370404.1, NM_001406665.1); c.3790C>A, p.Pro1264Thr (NM_001114382.3); c.3550C>A, p.Pro1184Thr (NM_001318827.2); c.3514C>A, p.Pro1172Thr (NM_001318829.2); c.3058C>A, p.Pro1020Thr (NM_001318831.2, NM_001406687.1, NM_001406688.1); c.3691C>A, p.Pro1231Thr (NM_001318832.2); c.3661C>A, p.Pro1221Thr (NM_001363528.2, NM_001370405.1, NM_021055.3); c.3787C>A, p.Pro1263Thr (NM_001406663.1, NM_001406664.1); and 18 more; short protein forms P1021T, P1171T, P1216T, P1217T, P1220T, P1227T, P1263T, P1020T.
Identifiers: ClinVar variation 2899997 (VCV002899997.3), dbSNP rs2090171531, ClinGen allele CA394293498.